The following is an entry in ClinVar:

NM_004260.4(RECQL4):c.1314A>G (p.Gln438=)

Gene: RECQL4 (RecQ like helicase 4; minus strand). Cytogenetic location: 8q24.3.
Variant type: single nucleotide variant.
Coding change: c.1314A>G on transcript NM_004260.4 (MANE Select); coding-DNA position 1314, A replaced by G.
Protein change: p.Gln438=; no amino-acid change (glutamine 438 retained).
Molecular consequence: synonymous variant. On other transcripts: 5 prime UTR variant (1), non-coding transcript variant (3).
Genome position (GRCh38, 1-based): chr8:144,515,402, T>C on the plus strand (A>G on the coding strand, the complement: RECQL4 is on the minus strand). VCF-style: chr8-144515402-T-C. GRCh37 (hg19) VCF-style: chr8-145740786-T-C.
Other names: c.1218A>G, p.Gln406= (NM_001413017.1, NM_001413020.1); c.1314A>G, p.Gln438= (NM_001413018.1, NM_001413019.1, NM_001413033.1 and 2 more transcripts); c.243A>G, p.Gln81= (NM_001413021.1, NM_001413022.1, NM_001413023.1 and 8 more transcripts); c.1185A>G, p.Gln395= (NM_001413025.1); c.177A>G, p.Gln59= (NM_001413027.1, NM_001413030.1, NM_001413031.1 and 2 more transcripts); c.963A>G, p.Gln321= (NM_001413029.1); c.-154A>G (NM_001413043.1).
Identifiers: ClinVar variation 2738795 (VCV002738795.3), dbSNP rs1828013848, ClinGen allele CA463567220.

ClinVar aggregate classification (germline): Uncertain significance (1 of 4 stars; one submission).

Conditions:
Baller-Gerold syndrome (BGS). Also called: CRANIOSYNOSTOSIS WITH RADIAL DEFECTS. Identifiers: Orphanet 1225, MedGen C0265308, MONDO:0009039, OMIM 218600.

Allele frequency attached by ClinVar (database versions not stated): gnomAD exomes below 0.00001.
gnomAD v4.1: 1 of 1,612,628 alleles (0.000062%); highest among the groups gnomAD compares: South Asian, 0.0011%; no homozygotes.

Submission:

Labcorp Genetics (formerly Invitae), Labcorp
Classification: Uncertain significance for Baller-Gerold syndrome. Last evaluated: 2023-08-24. Review status: criteria provided, single submitter. Criteria: Invitae Variant Classification Sherloc (09022015). Collection method: clinical testing. Allele origin: germline.
Comment: In summary, the available evidence is currently insufficient to determine the role of this variant in disease. Therefore, it has been classified as a Variant of Uncertain Significance. Algorithms developed to predict the effect of sequence changes on RNA splicing suggest that this variant may create or strengthen a splice site. This variant has not been reported in the literature in individuals affected with RECQL4-related conditions. This variant is not present in population databases (gnomAD no frequency). This sequence change affects codon 438 of the RECQL4 mRNA. It is a 'silent' change, meaning that it does not change the encoded amino acid sequence of the RECQL4 protein.